The following is an entry in ClinVar:

NM_054027.6(ANKH):c.314-5T>C

Gene: ANKH (ANKH inorganic pyrophosphate transport regulator; minus strand). Cytogenetic location: 5p15.2.
Variant type: single nucleotide variant.
Coding change: c.314-5T>C on transcript NM_054027.6 (MANE Select); 5 bases into the intron before coding-DNA position 314, T replaced by C.
Molecular consequence: intron variant.
Genome position (GRCh38, 1-based): chr5:14,758,603, A>G on the plus strand (T>C on the coding strand, the complement: ANKH is on the minus strand). VCF-style: chr5-14758603-A-G. GRCh37 (hg19) VCF-style: chr5-14758712-A-G.
Identifiers: ClinVar variation 1000176 (VCV001000176.9), dbSNP rs780440670, ClinGen allele CA3209150.

ClinVar aggregate classification (germline): Uncertain significance (1 of 4 stars; one submission).

Allele frequency attached by ClinVar (database versions not stated): gnomAD exomes 0.00001 and 0.00003; ExAC 0.00002; TOPMed 0.00002.
gnomAD v4.1: 16 of 1,542,176 alleles (0.001%); highest among the groups gnomAD compares: East Asian, 0.036%; no homozygotes.

Submission:

Labcorp Genetics (formerly Invitae), Labcorp
Classification: Uncertain significance. Last evaluated: 2020-01-27. Review status: criteria provided, single submitter. Criteria: Invitae Variant Classification Sherloc (09022015). Collection method: clinical testing. Allele origin: germline.
Comment: Algorithms developed to predict the effect of sequence changes on RNA splicing suggest that this variant may disrupt the consensus splice site, but this prediction has not been confirmed by published transcriptional studies. In summary, the available evidence is currently insufficient to determine the role of this variant in disease. Therefore, it has been classified as a Variant of Uncertain Significance. This variant has not been reported in the literature in individuals with ANKH-related conditions. This variant is present in population databases (rs780440670, ExAC 0.02%). This sequence change falls in intron 2 of the ANKH gene. It does not directly change the encoded amino acid sequence of the ANKH protein.